The following is an entry in ClinVar:

ClinVar aggregate classification (germline): Uncertain significance (1 of 4 stars; one submission).

Allele frequency attached by ClinVar (database versions not stated): ESP Exome Variant Server 0.00008; gnomAD exomes 0.00020; TOPMed 0.00009; gnomAD 0.00011; ExAC 0.00046; 1000 Genomes Project 30x 0.00016.
gnomAD v4.1: 290 of 1,533,942 alleles (0.019%); highest among the groups gnomAD compares: East Asian, 0.27%; 1 homozygote.

Submission:

Labcorp Genetics (formerly Invitae), Labcorp
Classification: Uncertain significance. Last evaluated: 2023-02-16. Review status: criteria provided, single submitter. Criteria: Invitae Variant Classification Sherloc (09022015). Collection method: clinical testing. Allele origin: germline.
Comment: This sequence change replaces arginine, which is basic and polar, with tryptophan, which is neutral and slightly polar, at codon 855 of the TNK2 protein (p.Arg855Trp). This variant is present in population databases (rs3749334, gnomAD 0.1%), and has an allele count higher than expected for a pathogenic variant. This variant has not been reported in the literature in individuals affected with TNK2-related conditions. An algorithm developed to predict the effect of missense changes on protein structure and function (PolyPhen-2) suggests that this variant is likely to be disruptive. In summary, the available evidence is currently insufficient to determine the role of this variant in disease. Therefore, it has been classified as a Variant of Uncertain Significance.

NM_001382273.1(TNK2):c.2374C>T (p.Arg792Trp)

Gene: TNK2 (tyrosine kinase non receptor 2; minus strand). Cytogenetic location: 3q29.
Variant type: single nucleotide variant.
Coding change: c.2374C>T on transcript NM_001382273.1 (MANE Select); coding-DNA position 2374, C replaced by T.
Protein change: p.Arg792Trp; replaces arginine 792 with tryptophan.
Molecular consequence: missense variant. On other transcripts: non-coding transcript variant (15).
Genome position (GRCh38, 1-based): chr3:195,867,924, G>A on the plus strand (C>T on the coding strand, the complement: TNK2 is on the minus strand). VCF-style: chr3-195867924-G-A. GRCh37 (hg19) VCF-style: chr3-195594795-G-A.
Other names: c.2446C>T, p.Arg816Trp (NM_001010938.2, NM_001382272.1); c.2425C>T, p.Arg809Trp (NM_001308046.2, NM_001382271.1); c.2374C>T, p.Arg792Trp (NM_001382274.1, NM_001387716.1, NM_001387717.1 and 1 more transcripts); c.2470C>T, p.Arg824Trp (NM_001382275.1, NM_001387707.1); c.2329C>T, p.Arg777Trp (NM_001386164.1, NM_001387709.1, NM_001387710.1 and 8 more transcripts); c.2401C>T, p.Arg801Trp (NM_001387708.1, NM_001387715.1); short protein forms R801W, R809W, R792W, R824W, R777W, R816W.
Identifiers: ClinVar variation 2056409 (VCV002056409.4), dbSNP rs3749334, ClinGen allele CA2775949.
Genomic context (GRCh38, chr3:195,867,924, plus strand): 5'-GTACCAGGGGGCTGGGTGTCCTCGAGCCTTGAGGGGACAGGGGCTCCCGCGGAGGCACCC[G>A]GGGAGGGGAAGCAGGTCCAGGCCACTGGCTGGTCTCCTCCTCGCCCGGGGGGGCTGGAGA-3'
Protein context (NP_001369202.1, residues 782-802): SQWPGPASPP[Arg792Trp]VPPREPLSPQ